The following is an entry in ClinVar:

ClinVar aggregate classification (germline): Uncertain significance (1 of 4 stars; one submission).

Conditions:
Perlman syndrome (PRLMNS). Identifiers: Orphanet 2849, MedGen C0796113, MONDO:0009965, OMIM 267000.

Submission:

Labcorp Genetics (formerly Invitae), Labcorp
Classification: Uncertain significance for Perlman syndrome. Last evaluated: 2018-06-24. Review status: criteria provided, single submitter. Criteria: Invitae Variant Classification Sherloc (09022015). Collection method: clinical testing. Allele origin: germline.
Comment: In summary, the available evidence is currently insufficient to determine the role of this variant in disease. Therefore, it has been classified as a Variant of Uncertain Significance. This variant has not been reported in the literature in individuals with DIS3L2-related disease. This variant is not present in population databases (ExAC no frequency). This sequence change results in a premature translational stop signal in the DIS3L2 gene (p.His806Leufs*17). While this is not anticipated to result in nonsense mediated decay, it is expected to disrupt the last 80 amino acids of the DIS3L2 protein.

NM_152383.5(DIS3L2):c.2417_2418del (p.His806fs)

Gene: DIS3L2 (DIS3 like 3'-5' exoribonuclease 2; plus strand). Cytogenetic location: 2q37.1.
Variant type: Deletion.
Coding change: c.2417_2418del on transcript NM_152383.5 (MANE Select); coding-DNA positions 2417 to 2418, 2 bases deleted (AC; older notation c.2417_2418delAC).
Protein change: p.His806fs; shifts the reading frame from histidine 806.
Molecular consequence: frameshift variant. On other transcripts: non-coding transcript variant (2), intron variant (1).
Genome position (GRCh38, 1-based): chr2:232,335,795-232,335,796, AC deleted; deleting any 2 consecutive bases within chr2:232,335,794-232,335,796 gives the same sequence; the c. name uses the placement nearest the transcript's 3' end. VCF-style (leftmost placement, unchanged base first): chr2-232335793-CCA-C. GRCh37 (hg19) VCF-style: chr2-233200503-CCA-C.
Other names: c.2417_2418delAC (NM_152383.4); c.1582-7550_1582-7549del (NM_001257281.2); short protein forms H806fs.
Identifiers: ClinVar variation 567784 (VCV000567784.6), dbSNP rs1559220906, ClinGen allele CA891842611.